The following is an entry in ClinVar:

ClinVar aggregate classification (germline): Benign (1 of 4 stars; one submission).

Allele frequency attached by ClinVar (database versions not stated): gnomAD exomes 0.00467 and 0.01396; ESP Exome Variant Server 0.00707; gnomAD 0.00997 and 0.01113; TOPMed 0.01290; ExAC 0.01307; 1000 Genomes Project 30x 0.03404; 1000 Genomes Project 0.03554.
gnomAD v4.1: 8,641 of 1,613,380 alleles (0.54%); highest among the groups gnomAD compares: East Asian, 11%; 366 homozygotes.

Submission:

GeneDx
Classification: Benign. Last evaluated: 2021-02-25. Review status: criteria provided, single submitter. Criteria: GeneDx Variant Classification Process June 2021. Collection method: clinical testing. Allele origin: germline. Affected: yes.
Comment: This variant is associated with the following publications: (PMID: 28787443)

NR_104317.2(FAM234A):n.1882T>C

Genes: FAM234A (family with sequence similarity 234 member A; plus strand), RGS11 (regulator of G protein signaling 11; minus strand). Cytogenetic location: 16p13.3.
Variant type: single nucleotide variant.
Molecular consequence: missense variant (on NM_183337.3). On other transcripts: non-coding transcript variant (1).
Genome position: GRCh38 VCF-style: chr16-269548-T-C. GRCh37 (hg19) VCF-style: chr16-319547-T-C.
Other names: c.1211A>G, p.Lys404Arg (NM_001286485.2); c.692A>G, p.Lys231Arg (NM_001286486.2); c.1181A>G, p.Lys394Arg (NM_003834.3); c.1244A>G, p.Lys415Arg (NM_183337.3); short protein forms K231R, K394R, K404R, K415R.
Identifiers: ClinVar variation 1245849 (VCV001245849.2), dbSNP rs57268939, ClinGen allele CA7771733.
Genomic context (GRCh38, chr16:269,548, plus strand): 5'-ACTGCCTGGGCTCACCGTCTCTTCATCTCCAGCGGGATCCCAGCCTCTGCCAGGAGGGCC[T>C]TGTACATGTCAGACTTCAGGAACCTTGGGTAGGAGTCCTACAAGAGACAGCGTCCAGCCC-3'